The following is an entry in ClinVar:

NM_021098.3(CACNA1H):c.5068C>G (p.Leu1690Val)

Gene: CACNA1H (calcium voltage-gated channel subunit alpha1 H; plus strand). Cytogenetic location: 16p13.3.
Variant type: single nucleotide variant.
Coding change: c.5068C>G on transcript NM_021098.3 (MANE Select); coding-DNA position 5068, C replaced by G.
Protein change: p.Leu1690Val; replaces leucine 1690 with valine.
Molecular consequence: missense variant.
Genome position (GRCh38, 1-based): chr16:1,215,270, C>G. VCF-style: chr16-1215270-C-G. GRCh37 (hg19) VCF-style: chr16-1265270-C-G.
Other names: c.5050C>G, p.Leu1684Val (NM_001005407.2); short protein forms L1684V, L1690V.
Identifiers: ClinVar variation 1449155 (VCV001449155.8), dbSNP rs755567471, ClinGen allele CA7801783.

ClinVar aggregate classification (germline): Uncertain significance (1 of 4 stars; one submission).

Conditions:
Idiopathic generalized epilepsy. Also called: Generalised epilepsy; EIG. Identifiers: MedGen C0270850, MONDO:0005579, OMIM 600669.
Hyperaldosteronism, familial, type IV (HALD4). Also called: FH IV; ALDOSTERONISM, PRIMARY, AND HYPERTENSION. Identifiers: Orphanet 642671, MedGen C4310756, MONDO:0014875, OMIM 617027.

Allele frequency attached by ClinVar (database versions not stated): gnomAD exomes below 0.00001; ExAC 0.00001.
gnomAD v4.1: 1 of 1,606,674 alleles (0.000062%); highest among the groups gnomAD compares: South Asian, 0.0011%; no homozygotes.

Submission:

Labcorp Genetics (formerly Invitae), Labcorp
Classification: Uncertain significance for Idiopathic generalized epilepsy; Hyperaldosteronism, familial, type IV. Last evaluated: 2021-06-16. Review status: criteria provided, single submitter. Criteria: Invitae Variant Classification Sherloc (09022015). Collection method: clinical testing. Allele origin: germline.
Comment: In summary, the available evidence is currently insufficient to determine the role of this variant in disease. Therefore, it has been classified as a Variant of Uncertain Significance. Advanced modeling of protein sequence and biophysical properties (such as structural, functional, and spatial information, amino acid conservation, physicochemical variation, residue mobility, and thermodynamic stability) performed at Invitae indicates that this missense variant is not expected to disrupt CACNA1H protein function. This variant has not been reported in the literature in individuals with CACNA1H-related conditions. The frequency data for this variant in the population databases is considered unreliable, as metrics indicate poor data quality at this position in the ExAC database. This sequence change replaces leucine with valine at codon 1690 of the CACNA1H protein (p.Leu1690Val). The leucine residue is highly conserved and there is a small physicochemical difference between leucine and valine.